The following is an entry in ClinVar:

NM_001267550.2(TTN):c.57478G>A (p.Val19160Ile)

Genes: TTN (titin; minus strand), TTN-AS1 (TTN antisense RNA 1; plus strand). Cytogenetic location: 2q31.2.
Variant type: single nucleotide variant.
Coding change: c.57478G>A on transcript NM_001267550.2 (MANE Select); coding-DNA position 57478, G replaced by A.
Protein change: p.Val19160Ile; replaces valine 19160 with isoleucine.
Molecular consequence: missense variant. On other transcripts: non-coding transcript variant (2).
Genome position (GRCh38, 1-based): chr2:178,597,604, C>T on the plus strand (G>A on the coding strand, the complement: TTN is on the minus strand). VCF-style: chr2-178597604-C-T. GRCh37 (hg19) VCF-style: chr2-179462331-C-T.
Other names: c.49774G>A, p.Val16592Ile (NM_133378.4); c.52555G>A, p.Val17519Ile (NM_001256850.1); c.30283G>A, p.Val10095Ile (NM_003319.4); c.30658G>A, p.Val10220Ile (NM_133432.3); c.30859G>A, p.Val10287Ile (NM_133437.4); short protein forms V19160I, V16592I, V10287I, V10220I, V10095I, V17519I.
Identifiers: ClinVar variation 47125 (VCV000047125.17), dbSNP rs200778464, ClinGen allele CA140067.

ClinVar aggregate classification (germline): Conflicting classifications of pathogenicity. Review status: criteria provided, conflicting classifications (1 of 4 stars). 6 submissions from 6 submitters: Uncertain significance (2); Likely benign (4). Last evaluated 2025-04-09.

Conditions:
Cardiovascular phenotype. Identifiers: MedGen CN230736.

Allele frequency attached by ClinVar (database versions not stated): 1000 Genomes Project 0.00060; TOPMed 0.00006; 1000 Genomes Project 30x 0.00094.
gnomAD v4.1: 87 of 1,613,098 alleles (0.0054%); highest among the groups gnomAD compares: Admixed American, 0.035%; no homozygotes.

Submissions (6):

Molecular Diagnostic Laboratory for Inherited Cardiovascular Disease, Montreal Heart Institute
Classification: Likely benign. Last evaluated: 2025-04-09. Review status: criteria provided, single submitter. Criteria: ACMG Guidelines, 2015. Collection method: clinical testing. Allele origin: germline. Affected: no.
Comment: BP1

Revvity Omics, Revvity
Classification: Uncertain significance. Last evaluated: 2024-10-31. Review status: criteria provided, single submitter. Criteria: ACMG Guidelines, 2015. Collection method: clinical testing. Allele origin: germline.

Ambry Genetics
Classification: Likely benign for Cardiovascular phenotype. Last evaluated: 2020-07-22. Review status: criteria provided, single submitter. Criteria: Ambry Variant Classification Scheme 2023. Collection method: clinical testing. Allele origin: germline.

GeneDx
Classification: Likely benign. Last evaluated: 2020-02-04. Review status: criteria provided, single submitter. Criteria: GeneDx Variant Classification Process June 2021. Collection method: clinical testing. Allele origin: germline. Affected: yes.

Eurofins Ntd Llc (ga)
Classification: Uncertain significance. Last evaluated: 2017-10-10. Review status: criteria provided, single submitter. Criteria: EGL Classification Definitions 2015. Collection method: clinical testing. Allele origin: germline. Observed: 1 variant allele, 1 heterozygote.

Laboratory for Molecular Medicine, Mass General Brigham Personalized Medicine
Classification: Likely benign. Last evaluated: 2014-02-04. Review status: criteria provided, single submitter. Criteria: LMM Criteria. Collection method: clinical testing. Allele origin: germline. Observed: 2 variant alleles.
Comment: This variant is not expected to have clinical significance due to a lack of cons ervation across species, including mammals. In addition, computational analyses (AlignGVGD, PolyPhen2, SIFT) do not suggest a high likelihood of impact to the p rotein.